The following is an entry in ClinVar:

ClinVar aggregate classification (germline): Uncertain significance (1 of 4 stars; one submission).

Allele frequency attached by ClinVar (database versions not stated): TOPMed 0.00001.
gnomAD v4.1: 5 of 1,614,000 alleles (0.00031%); highest among the groups gnomAD compares: Admixed American, 0.0017%; no homozygotes.

Submission:

Center for Genomics, Ann and Robert H. Lurie Children's Hospital of Chicago
Classification: Uncertain significance. Last evaluated: 2021-03-30. Review status: criteria provided, single submitter. Criteria: ACMG Guidelines, 2015. Collection method: clinical testing. Allele origin: germline.
Comment: VAV1 NM_005428.3 exon 21 p.Val655= (c.1965G>A): This variant has not been reported in the literature and is present in 0.008% (2/24964) of African alleles in the Genome Aggregation Database. Evolutionary conservation and computational predictive tools for this variant are limited or unavailable. Of note, this variant is a silent variant and does not change the amino acid. However, splice prediction tools suggest that this variant may affect splicing; further studies are needed to understand its impact. In summary, data on this variant is insufficient for disease classification. Therefore, the clinical significance of this variant is uncertain.

NM_005428.4(VAV1):c.1965G>A (p.Val655=)

Gene: VAV1 (vav guanine nucleotide exchange factor 1; plus strand). Cytogenetic location: 19p13.3.
Variant type: single nucleotide variant.
Coding change: c.1965G>A on transcript NM_005428.4 (MANE Select); coding-DNA position 1965, G replaced by A.
Protein change: p.Val655=; no amino-acid change (valine 655 retained).
Molecular consequence: synonymous variant. On other transcripts: intron variant (1).
Genome position (GRCh38, 1-based): chr19:6,837,035, G>A. VCF-style: chr19-6837035-G-A. GRCh37 (hg19) VCF-style: chr19-6837046-G-A.
Other names: c.1869G>A, p.Val623= (NM_001258207.2); c.1914+467G>A (NM_001258206.2).
Identifiers: ClinVar variation 626045 (VCV000626045.2), dbSNP rs1039574181, ClinGen allele CA304816385.